The following is an entry in ClinVar:

NM_000284.4(PDHA1):c.721_724dup (p.Tyr242Ter)

Gene: PDHA1 (pyruvate dehydrogenase E1 subunit alpha 1; plus strand). Cytogenetic location: Xp22.12.
Variant type: Duplication.
Coding change: c.721_724dup on transcript NM_000284.4 (MANE Select); coding-DNA positions 721 to 724, 4 bases duplicated (GATT; older notation c.721_724dupGATT).
Protein change: p.Tyr242Ter; replaces tyrosine 242 with a stop codon.
Molecular consequence: nonsense.
Genome position (GRCh38, 1-based): chrX:19,355,466-19,355,469, GATT duplicated; duplicating any 4 consecutive bases within chrX:19,355,465-19,355,469 gives the same sequence; the c. name uses the placement nearest the transcript's 3' end. VCF-style (leftmost placement, unchanged base first): chrX-19355464-C-CTGAT. GRCh37 (hg19) VCF-style: chrX-19373582-C-CTGAT.
Other names: c.835_838dup, p.Tyr280Ter (NM_001173454.2); c.742_745dup, p.Tyr249Ter (NM_001173455.2); c.628_631dup, p.Tyr211Ter (NM_001173456.2); c.721_724dup (NM_000284.3); short protein forms Y242*, Y211*, Y249*, Y280*.
Identifiers: ClinVar variation 871397 (VCV000871397.41), dbSNP rs2063189611, ClinGen allele CA1139667325.

ClinVar aggregate classification (germline): Pathogenic. Review status: criteria provided, single submitter (1 of 4 stars). 2 submissions from 2 submitters: Pathogenic (1). 1 of the submissions does not count toward it. Last evaluated 2018-02-01.

Conditions:
Pyruvate dehydrogenase E1-alpha deficiency (PDHAD). Also called: ATAXIA, INTERMITTENT, WITH PYRUVATE DEHYDROGENASE DEFICIENCY; ATAXIA WITH LACTIC ACIDOSIS I; ATAXIA, INTERMITTENT, WITH ABNORMAL PYRUVATE METABOLISM; Ataxia, intermittent, with pyruvate dehydrogenase, or decarboxylase, deficiency. Identifiers: Orphanet 79243, MedGen C1839413, MONDO:0010717, OMIM 312170.

Submissions (2):

CeGaT Center for Human Genetics Tuebingen
Classification: Pathogenic. Last evaluated: 2018-02-01. Review status: criteria provided, single submitter. Criteria: CeGaT Center For Human Genetics Tuebingen Variant Classification Criteria Version 2. Collection method: clinical testing. Allele origin: germline. Affected: yes. Observed: 1 variant allele.

PDHA1 Study Group, University Children’s Hospital, Paracelsus Medical University
Classification: Pathogenic for Pyruvate dehydrogenase E1-alpha deficiency. Last evaluated: 2024-10-15. Review status: no assertion criteria provided. Collection method: research. Allele origin: germline. Affected: yes. Observed: 1 variant allele. Not counted in ClinVar's aggregate classification.
Comment: The NM_000284.3:c.721_724dup (p.Tyr242Ter) change is a nonsense variant in PDHA1 gene. This variant is predicted to result in nonsense-mediated decay (NMD). Last literature search: July 12, 2024. This variant is absent or extremely rare in population-based cohorts in the Genome Aggregation Database (gnomAD). Individuals harboring this variant presented with clinical features compatible with PDHA1-related PDHc deficiency. In summary, this variant meets criteria to be classified as pathogenic (P) for PDHA1-related PDHc deficiency based on the ACMG/AMP criteria applied: PVS1, PM2, PM7 (last assessment October 15, 2024).

Literature cited by the submitters: DOI 10.1093/brain/awaf430 (cited by PDHA1 Study Group, University Children’s Hospital, Paracelsus Medical University).